The following is an entry in ClinVar:

ClinVar aggregate classification (germline): Uncertain significance. Review status: criteria provided, multiple submitters, no conflicts (2 of 4 stars). 2 submissions from 2 submitters: Uncertain significance (2). Last evaluated 2026-02-08.

Conditions:
Primary ciliary dyskinesia. Also called: Ciliary dyskinesia. Identifiers: Orphanet 244, MedGen C0008780, MONDO:0016575, HP:0012265.

Allele frequency attached by ClinVar (database versions not stated): gnomAD 0.00009 and 0.00007; ExAC 0.00005; gnomAD exomes 0.00006; TOPMed 0.00008.
gnomAD v4.1: 233 of 1,613,960 alleles (0.014%); highest among the groups gnomAD compares: Non-Finnish European, 0.019%; no homozygotes.

Submissions (2):

GeneDx
Classification: Uncertain significance. Last evaluated: 2026-02-08. Review status: criteria provided, single submitter. Criteria: GeneDx Variant Classification Process June 2021. Collection method: clinical testing. Allele origin: germline. Affected: yes.
Comment: Has not been previously published as pathogenic or benign to our knowledge; In silico analysis supports that this missense variant has a deleterious effect on protein structure/function

Labcorp Genetics (formerly Invitae), Labcorp
Classification: Uncertain significance for Primary ciliary dyskinesia. Last evaluated: 2022-04-19. Review status: criteria provided, single submitter. Criteria: Invitae Variant Classification Sherloc (09022015). Collection method: clinical testing. Allele origin: germline.
Comment: This sequence change replaces phenylalanine, which is neutral and non-polar, with cysteine, which is neutral and slightly polar, at codon 4138 of the DNAH5 protein (p.Phe4138Cys). The frequency data for this variant in the population databases is considered unreliable, as metrics indicate poor data quality at this position in the gnomAD database. This variant has not been reported in the literature in individuals affected with DNAH5-related conditions. ClinVar contains an entry for this variant (Variation ID: 1309277). Algorithms developed to predict the effect of missense changes on protein structure and function are either unavailable or do not agree on the potential impact of this missense change (SIFT: "Deleterious"; PolyPhen-2: "Probably Damaging"; Align-GVGD: "Class C0"). In summary, the available evidence is currently insufficient to determine the role of this variant in disease. Therefore, it has been classified as a Variant of Uncertain Significance.

NM_001369.3(DNAH5):c.12413T>G (p.Phe4138Cys)

Gene: DNAH5 (dynein axonemal heavy chain 5; minus strand). Cytogenetic location: 5p15.2.
Variant type: single nucleotide variant.
Coding change: c.12413T>G on transcript NM_001369.3 (MANE Select); coding-DNA position 12413, T replaced by G.
Protein change: p.Phe4138Cys; replaces phenylalanine 4138 with cysteine.
Molecular consequence: missense variant.
Genome position (GRCh38, 1-based): chr5:13,718,968, A>C on the plus strand (T>G on the coding strand, the complement: DNAH5 is on the minus strand). VCF-style: chr5-13718968-A-C. GRCh37 (hg19) VCF-style: chr5-13719077-A-C.
Other names: short protein forms F4138C.
Identifiers: ClinVar variation 1309277 (VCV001309277.5), dbSNP rs757393675, ClinGen allele CA3201646.